The following is an entry in ClinVar:

NM_007294.4(BRCA1):c.4358-1226C>T

Gene: BRCA1 (BRCA1 DNA repair associated; minus strand). Cytogenetic location: 17q21.31.
Variant type: single nucleotide variant.
Coding change: c.4358-1226C>T on transcript NM_007294.4 (MANE Select); 1226 bases into the intron before coding-DNA position 4358, C replaced by T.
Molecular consequence: intron variant.
Genome position (GRCh38, 1-based): chr17:43,077,840, G>A on the plus strand (C>T on the coding strand, the complement: BRCA1 is on the minus strand). VCF-style: chr17-43077840-G-A. GRCh37 (hg19) VCF-style: chr17-41229857-G-A.
Other names: IVS 13-1226C>T; c.908-1229C>T (NM_001408458.1, NM_001408461.1, NM_001408459.1 and 1 more transcripts); c.3470-1229C>T (NM_001407967.1); c.3977-1226C>T (NM_001407959.1); c.4091-1226C>T (NM_001407931.1, NM_001407932.1, NM_001407930.1 and 1 more transcripts); c.4214-1226C>T (NM_001407747.1, NM_001407745.1, NM_001407746.1 and 11 more transcripts); c.3974-1226C>T (NM_001407962.1); c.545-1226C>T (NM_001408512.1); and 99 more.
Identifiers: ClinVar variation 209386 (VCV000209386.3), dbSNP rs4239148, ClinGen allele CA276358.

ClinVar aggregate classification (germline): Benign. Review status: reviewed by expert panel (3 of 4 stars). 2 submissions from 2 submitters: Benign (1). 1 of the submissions does not count toward it. Last evaluated 2015-01-12.

Conditions:
Breast-ovarian cancer, familial, susceptibility to, 1 (BROVCA1). Also called: BRCA1 Hereditary Breast and Ovarian Cancer; OVARIAN CANCER, SUSCEPTIBILITY TO. Identifiers: Orphanet 145, MedGen C2676676, MONDO:0011450, OMIM 604370. Disease mechanism: loss of function.

Allele frequency attached by ClinVar (database versions not stated): gnomAD 0.49380 and 0.49731; TOPMed 0.50138; 1000 Genomes Project 0.54892; 1000 Genomes Project 30x 0.55340.
gnomAD v4.1: 74,536 of 151,454 alleles (49%); highest among the groups gnomAD compares: African/African-American, 82%; 21,710 homozygotes.

Submissions (2):

Evidence-based Network for the Interpretation of Germline Mutant Alleles (ENIGMA)
Classification: Benign for Breast-ovarian cancer, familial 1. Last evaluated: 2015-01-12. Review status: reviewed by expert panel. Criteria: ENIGMA BRCA1/2 Classification Criteria (2015). Collection method: curation. Allele origin: germline.
Comment: Class 1 not pathogenic based on frequency >1% in an outbred sampleset. Frequency 0.3304 (Asian), 0.1321 (African), 0.3668 (European), derived from 1000 genomes (2012-04-30).

Breakthrough Genomics
Classification: Benign. Review status: criteria provided, single submitter. Criteria: ACMG Guidelines, 2015. Collection method: not provided. Allele origin: germline. Inheritance: Autosomal recessive inheritance. Affected: yes. Not counted in ClinVar's aggregate classification.